The following is an entry in ClinVar:

ClinVar aggregate classification (germline): Likely pathogenic (1 of 4 stars; one submission).

Submission:

Labcorp Genetics (formerly Invitae), Labcorp
Classification: Likely pathogenic. Last evaluated: 2021-11-06. Review status: criteria provided, single submitter. Criteria: Invitae Variant Classification Sherloc (09022015). Collection method: clinical testing. Allele origin: germline.
Comment: In summary, the currently available evidence indicates that the variant is pathogenic, but additional data are needed to prove that conclusively. Therefore, this variant has been classified as Likely Pathogenic. A similar copy number variant has been observed in individual(s) with features of inherited retinal dystrophy (PMID: 31054281). This variant results in a copy number gain of the genomic region encompassing exon(s) 20-22 of the EYS gene. While the exact position of this variant cannot be determined from the data, sub-genic copy number gains are generally in tandem (PMID: 25640679). This variant is predicted to be out-of-frame, and may result in an absent or disrupted protein product. Loss-of-function variants in EYS are known to be pathogenic (PMID: 18836446, 20333770).

Literature cited by the submitters: PubMed 31054281; PubMed 25640679; PubMed 18836446; PubMed 20333770.

NC_000006.11:g.(?_65523251)_(65532735_?)dup

Gene: EYS (eyes shut homolog; minus strand). Cytogenetic location: 6q12.
Variant type: Duplication.
Identifiers: ClinVar variation 1503652 (VCV001503652.4).